The following is an entry in ClinVar:

NM_003793.4(CTSF):c.302A>C (p.Lys101Thr)

Gene: CTSF (cathepsin F; minus strand). Cytogenetic location: 11q13.2.
Variant type: single nucleotide variant.
Coding change: c.302A>C on transcript NM_003793.4 (MANE Select); coding-DNA position 302, A replaced by C.
Protein change: p.Lys101Thr; replaces lysine 101 with threonine.
Molecular consequence: missense variant.
Genome position (GRCh38, 1-based): chr11:66,567,994, T>G on the plus strand (A>C on the coding strand, the complement: CTSF is on the minus strand). VCF-style: chr11-66567994-T-G. GRCh37 (hg19) VCF-style: chr11-66335465-T-G.
Other names: short protein forms K101T.
Identifiers: ClinVar variation 588224 (VCV000588224.5), dbSNP rs1565313562, ClinGen allele CA381467474.

ClinVar aggregate classification (germline): Uncertain significance (1 of 4 stars; one submission).

Conditions:
Inborn genetic diseases. Identifiers: MedGen C0950123, MeSH D030342.

Submission:

Ambry Genetics
Classification: Uncertain significance for Inborn genetic diseases. Last evaluated: 2016-09-02. Review status: criteria provided, single submitter. Criteria: Ambry Variant Classification Scheme 2023. Collection method: clinical testing. Allele origin: germline.
Comment: The p.K101T variant (also known as c.302A>C), located in coding exon 2 of the CTSF gene, results from an A to C substitution at nucleotide position 302. The lysine at codon 101 is replaced by threonine, an amino acid with similar properties. This variant was not reported in population based cohorts in the following databases: Database of Single Nucleotide Polymorphisms (dbSNP), NHLBI Exome Sequencing Project (ESP), and 1000 Genomes Project. In the ESP, this variant was not observed in 6495 samples (12990 alleles) with coverage at this position. This amino acid position is not well conserved in available vertebrate species. In addition, this alteration is predicted to be tolerated by in silico analysis. Since supporting evidence is limited at this time, the clinical significance of this variant remains unclear.